The following is an entry in ClinVar:

ClinVar aggregate classification (germline): Pathogenic (1 of 4 stars; one submission).

Conditions:
LAMA2-related muscular dystrophy (LAMA2-RD). Also called: Laminin alpha 2-related dystrophy. Identifiers: MedGen C5679788, MONDO:0100228.

Allele frequency attached by ClinVar (database versions not stated): TOPMed below 0.00001; gnomAD 0.00001.

Submission:

Labcorp Genetics (formerly Invitae), Labcorp
Classification: Pathogenic for LAMA2-related muscular dystrophy. Last evaluated: 2020-09-20. Review status: criteria provided, single submitter. Criteria: Invitae Variant Classification Sherloc (09022015). Collection method: clinical testing. Allele origin: germline.
Comment: For these reasons, this variant has been classified as Pathogenic. Loss-of-function variants in LAMA2 are known to be pathogenic (PMID: 18700894). This variant has not been reported in the literature in individuals with LAMA2-related conditions. ClinVar contains an entry for this variant (Variation ID: 847248). This variant is not present in population databases (ExAC no frequency). This sequence change creates a premature translational stop signal (p.Ala2025Leufs*41) in the LAMA2 gene. It is expected to result in an absent or disrupted protein product.

Literature cited by the submitters: PubMed 18700894.

NM_000426.4(LAMA2):c.6072del (p.Ala2025fs)

Gene: LAMA2 (laminin subunit alpha 2; plus strand). Cytogenetic location: 6q22.33.
Variant type: Deletion.
Coding change: c.6072del on transcript NM_000426.4 (MANE Select); coding-DNA position 6072, one base deleted (A; older notation c.6072delA).
Protein change: p.Ala2025fs; shifts the reading frame from alanine 2025.
Molecular consequence: frameshift variant.
Genome position (GRCh38, 1-based): chr6:129,438,749, A deleted. VCF-style (leftmost placement, unchanged base first): chr6-129438748-CA-C. GRCh37 (hg19) VCF-style: chr6-129759893-CA-C.
Other names: c.6072del, p.Ala2025fs (NM_001079823.2); short protein forms A2025fs.
Identifiers: ClinVar variation 847248 (VCV000847248.8), dbSNP rs1280099731, ClinGen allele CA570059979.